The following is an entry in ClinVar:

ClinVar aggregate classification (germline): Uncertain significance (0 of 4 stars; one submission).

Conditions:
Spastic paraplegia. Identifiers: MedGen C0037772, HP:0001258.

Submission:

Laboratoire de Génétique Moléculaire, CHU Bordeaux
Classification: Uncertain significance for Spastic paraplegia. Last evaluated: 2020-09-08. Review status: no assertion criteria provided. Collection method: clinical testing. Allele origin: somatic. Inheritance: Somatic mutation. Affected: no.
Comment: Mosaic rate was estimated at 40% of blood lymphocytes (log ratio= -0,31).

Literature cited by the submitters: DOI 10.1002/humu.22076.

Single allele

Genes: NLRC4 (NLR family CARD domain containing 4; minus strand), SLC30A6 (solute carrier family 30 member 6; plus strand), BIRC6 (baculoviral IAP repeat containing 6; plus strand), DPY30 (dpy-30 histone methyltransferase complex regulatory subunit; minus strand), SPAST (spastin; plus strand) and 2 more. Cytogenetic location: 2p22.3.
Variant type: Deletion.
Identifiers: ClinVar variation 986411 (VCV000986411.3).